The following is an entry in ClinVar:

NM_080605.4(B3GALT6):c.187G>C (p.Val63Leu)

Gene: B3GALT6 (beta-1,3-galactosyltransferase 6; plus strand). Cytogenetic location: 1p36.33.
Variant type: single nucleotide variant.
Coding change: c.187G>C on transcript NM_080605.4 (MANE Select); coding-DNA position 187, G replaced by C.
Protein change: p.Val63Leu; replaces valine 63 with leucine.
Molecular consequence: missense variant.
Genome position (GRCh38, 1-based): chr1:1,232,465, G>C. VCF-style: chr1-1232465-G-C. GRCh37 (hg19) VCF-style: chr1-1167845-G-C.
Other names: short protein forms V63L.
Identifiers: ClinVar variation 4790242 (VCV004790242.1).
Genomic context (GRCh38, chr1:1,232,465, plus strand): 5'-TCGGGCCGCAGCCCGCCTCCCCCCGCGCCCGCGCGCGCCGCCGCCTTCCTGGCAGTGCTG[G>C]TGGCCAGCGCGCCCCGCGCCGCCGAGCGCCGCAGCGTGATCCGCAGCACGTGGCTTGCGC-3'
Protein context (NP_542172.2, residues 53-73): ARAAAFLAVL[Val63Leu]ASAPRAAERR

ClinVar aggregate classification (germline): Uncertain significance (1 of 4 stars; one submission).

Conditions:
Ehlers-Danlos syndrome, spondylodysplastic type, 2 (EDSSPD2). Also called: Ehlers-Danlos syndrome, progeroid type, 2. Identifiers: Orphanet 536467, Orphanet 75496, MedGen C3809210, MONDO:0014139, OMIM 615349.
Spondyloepimetaphyseal dysplasia with joint laxity (SEMDJL). Identifiers: MedGen C0432243, MONDO:0019675.

gnomAD v4.1: 1 of 1,007,730 alleles (0.000099%); highest among the groups gnomAD compares: Non-Finnish European, 0.00012%; no homozygotes.

Submission:

Labcorp Genetics (formerly Invitae), Labcorp
Classification: Uncertain significance for Ehlers-Danlos syndrome, spondylodysplastic type, 2; Spondyloepimetaphyseal dysplasia with joint laxity. Last evaluated: 2025-04-02. Review status: criteria provided, single submitter. Criteria: Invitae Variant Classification Sherloc (09022015). Collection method: clinical testing. Allele origin: germline.
Comment: This sequence change replaces valine, which is neutral and non-polar, with leucine, which is neutral and non-polar, at codon 63 of the B3GALT6 protein (p.Val63Leu). The frequency data for this variant in the population databases is considered unreliable, as metrics indicate insufficient coverage at this position in the gnomAD database. This variant has not been reported in the literature in individuals affected with B3GALT6-related conditions. Invitae Evidence Modeling of protein sequence and biophysical properties (such as structural, functional, and spatial information, amino acid conservation, physicochemical variation, residue mobility, and thermodynamic stability) indicates that this missense variant is not expected to disrupt B3GALT6 protein function with a negative predictive value of 80%. In summary, the available evidence is currently insufficient to determine the role of this variant in disease. Therefore, it has been classified as a Variant of Uncertain Significance.